The following is an entry in ClinVar:

ClinVar aggregate classification (germline): Likely benign. Review status: criteria provided, multiple submitters, no conflicts (2 of 4 stars). 2 submissions from 2 submitters: Likely benign (2). Last evaluated 2025-09-01.

Allele frequency attached by ClinVar (database versions not stated): gnomAD exomes 0.00002; gnomAD 0.00004; 1000 Genomes Project 30x 0.00062.
gnomAD v4.1: 36 of 1,274,838 alleles (0.0028%); highest among the groups gnomAD compares: South Asian, 0.019%; no homozygotes.

Submissions (2):

CeGaT Center for Human Genetics Tuebingen
Classification: Likely benign. Last evaluated: 2025-09-01. Review status: criteria provided, single submitter. Criteria: CeGaT Center For Human Genetics Tuebingen Variant Classification Criteria Version 2. Collection method: clinical testing. Allele origin: germline. Affected: yes. Observed: 1 variant allele.
Comment: ARID1B: BS2

Labcorp Genetics (formerly Invitae), Labcorp
Classification: Likely benign. Last evaluated: 2025-06-04. Review status: criteria provided, single submitter. Criteria: Invitae Variant Classification Sherloc (09022015). Collection method: clinical testing. Allele origin: germline.

NM_001374828.1(ARID1B):c.1301G>C (p.Gly434Ala)

Gene: ARID1B (AT-rich interaction domain 1B; plus strand). Cytogenetic location: 6q25.3.
Variant type: single nucleotide variant.
Coding change: c.1301G>C on transcript NM_001374828.1 (MANE Select); coding-DNA position 1301, G replaced by C.
Protein change: p.Gly434Ala; replaces glycine 434 with alanine.
Molecular consequence: missense variant.
Genome position (GRCh38, 1-based): chr6:156,778,981, G>C. VCF-style: chr6-156778981-G-C. GRCh37 (hg19) VCF-style: chr6-157100115-G-C.
Other names: c.1052G>C, p.Gly351Ala (NM_001346813.1, NM_020732.3); c.1301G>C, p.Gly434Ala (NM_001371656.1, NM_001374820.1, NM_017519.3); c.878G>C, p.Gly293Ala (NM_175863.2); short protein forms G293A, G351A, G434A.
Identifiers: ClinVar variation 2157317 (VCV002157317.12), dbSNP rs1015605215, ClinGen allele CA366383914.